The following is an entry in ClinVar:

NM_001927.4(DES):c.844G>A (p.Glu282Lys)

Gene: DES (desmin; plus strand). Cytogenetic location: 2q35.
Variant type: single nucleotide variant.
Coding change: c.844G>A on transcript NM_001927.4 (MANE Select); coding-DNA position 844, G replaced by A.
Protein change: p.Glu282Lys; replaces glutamic acid 282 with lysine.
Molecular consequence: missense variant. On other transcripts: intron variant (1).
Genome position (GRCh38, 1-based): chr2:219,420,603, G>A. VCF-style: chr2-219420603-G-A. GRCh37 (hg19) VCF-style: chr2-220285325-G-A.
Other names: c.844G>A, p.Glu282Lys (NM_001382710.1, NM_001382711.1, NM_001382712.1); c.841G>A, p.Glu281Lys (NM_001382708.1); c.574G>A, p.Glu192Lys (NM_001382713.1); c.735+257G>A (NM_001382709.1); short protein forms E282K, E192K, E281K.
Identifiers: ClinVar variation 1763432 (VCV001763432.5), dbSNP rs2545252431, ClinGen allele CA350691466.

ClinVar aggregate classification (germline): Uncertain significance. Review status: criteria provided, multiple submitters, no conflicts (2 of 4 stars). 2 submissions from 2 submitters: Uncertain significance (2). Last evaluated 2023-01-18.

Conditions:
Cardiovascular phenotype. Identifiers: MedGen CN230736.
Desmin-related myofibrillar myopathy (MFM1). Also called: Myofibrillar myopathy 1; MYOFIBRILLAR MYOPATHY WITH ARRHYTHMOGENIC RIGHT VENTRICULAR CARDIOMYOPATHY; DESMIN-RELATED MYOPATHY WITH ARRHYTHMOGENIC RIGHT VENTRICULAR CARDIOMYOPATHY; Desminopathy; Desmin related myopathy (former name); Desmin storage myopathy (former name). Identifiers: Orphanet 363543, Orphanet 98909, MedGen C1832370, MONDO:0011076, OMIM 601419.

Allele frequency attached by ClinVar (database versions not stated): gnomAD exomes below 0.00001.
gnomAD v4.1: 1 of 1,614,074 alleles (0.000062%); highest among the groups gnomAD compares: Non-Finnish European, 0.000085%; no homozygotes.

Submissions (2):

Labcorp Genetics (formerly Invitae), Labcorp
Classification: Uncertain significance for Desmin-related myofibrillar myopathy. Last evaluated: 2023-01-18. Review status: criteria provided, single submitter. Criteria: Invitae Variant Classification Sherloc (09022015). Collection method: clinical testing. Allele origin: germline.
Comment: This variant is not present in population databases (gnomAD no frequency). In summary, the available evidence is currently insufficient to determine the role of this variant in disease. Therefore, it has been classified as a Variant of Uncertain Significance. Algorithms developed to predict the effect of missense changes on protein structure and function (SIFT, PolyPhen-2, Align-GVGD) all suggest that this variant is likely to be disruptive. ClinVar contains an entry for this variant (Variation ID: 1763432). This variant has not been reported in the literature in individuals affected with DES-related conditions. This sequence change replaces glutamic acid, which is acidic and polar, with lysine, which is basic and polar, at codon 282 of the DES protein (p.Glu282Lys).

Ambry Genetics
Classification: Uncertain significance for Cardiovascular phenotype. Last evaluated: 2022-05-09. Review status: criteria provided, single submitter. Criteria: Ambry Variant Classification Scheme 2023. Collection method: clinical testing. Allele origin: germline.
Comment: The p.E282K variant (also known as c.844G>A), located in coding exon 4 of the DES gene, results from a G to A substitution at nucleotide position 844. The glutamic acid at codon 282 is replaced by lysine, an amino acid with similar properties. This amino acid position is highly conserved in available vertebrate species. In addition, this alteration is predicted to be deleterious by in silico analysis. Since supporting evidence is limited at this time, the clinical significance of this alteration remains unclear.